The following is an entry in ClinVar:

NM_002890.3(RASA1):c.632G>A (p.Arg211Gln)

Genes: CCNH (cyclin H; minus strand), RASA1 (RAS p21 protein activator 1; plus strand). Cytogenetic location: 5q14.3.
Variant type: single nucleotide variant.
Coding change: c.632G>A on transcript NM_002890.3 (MANE Select); coding-DNA position 632, G replaced by A.
Protein change: p.Arg211Gln; replaces arginine 211 with glutamine.
Molecular consequence: missense variant. On other transcripts: intron variant (1).
Genome position (GRCh38, 1-based): chr5:87,331,440, G>A. VCF-style: chr5-87331440-G-A. GRCh37 (hg19) VCF-style: chr5-86627257-G-A.
Other names: c.101G>A, p.Arg34Gln (NM_022650.3); c.934-18645C>T (NM_001364075.2); short protein forms R34Q, R211Q.
Identifiers: ClinVar variation 3715067 (VCV003715067.2).

ClinVar aggregate classification (germline): Uncertain significance (1 of 4 stars; one submission).

Conditions:
Capillary malformation-arteriovenous malformation syndrome. Also called: Capillary malformation-arteriovenous malformation. Identifiers: Orphanet 137667, MedGen C1842180, MONDO:0012016.

gnomAD v4.1: 4 of 1,613,746 alleles (0.00025%); highest among the groups gnomAD compares: Non-Finnish European, 0.00034%; no homozygotes.

Submission:

Labcorp Genetics (formerly Invitae), Labcorp
Classification: Uncertain significance for Capillary malformation-arteriovenous malformation syndrome. Last evaluated: 2025-06-27. Review status: criteria provided, single submitter. Criteria: Invitae Variant Classification Sherloc (09022015). Collection method: clinical testing. Allele origin: germline.
Comment: This sequence change replaces arginine, which is basic and polar, with glutamine, which is neutral and polar, at codon 211 of the RASA1 protein (p.Arg211Gln). This variant is not present in population databases (gnomAD no frequency). This variant has not been reported in the literature in individuals affected with RASA1-related conditions. ClinVar contains an entry for this variant (Variation ID: 3715067). An algorithm developed to predict the effect of missense changes on protein structure and function (PolyPhen-2) suggests that this variant is likely to be disruptive. In summary, the available evidence is currently insufficient to determine the role of this variant in disease. Therefore, it has been classified as a Variant of Uncertain Significance.